The following is an entry in ClinVar:

NM_001386393.1(PANK2):c.506A>G (p.Lys169Arg)

Gene: PANK2 (pantothenate kinase 2; plus strand). Cytogenetic location: 20p13.
Variant type: single nucleotide variant.
Coding change: c.506A>G on transcript NM_001386393.1 (MANE Select); coding-DNA position 506, A replaced by G.
Protein change: p.Lys169Arg; replaces lysine 169 with arginine.
Molecular consequence: missense variant. On other transcripts: 5 prime UTR variant (4), non-coding transcript variant (1).
Genome position (GRCh38, 1-based): chr20:3,908,133, A>G. VCF-style: chr20-3908133-A-G. GRCh37 (hg19) VCF-style: chr20-3888780-A-G.
Other names: c.836A>G (NM_153638.2); c.-38A>G (NM_001324191.2, NM_024960.6, NM_153640.4); c.836A>G, p.Lys279Arg (NM_001324192.1, NM_153638.4); c.-330A>G (NM_001324193.2); short protein forms K169R, K279R.
Identifiers: ClinVar variation 1059106 (VCV001059106.7), dbSNP rs975735144, ClinGen allele CA311034267.

ClinVar aggregate classification (germline): Uncertain significance. Review status: criteria provided, multiple submitters, no conflicts (2 of 4 stars). 3 submissions from 3 submitters: Uncertain significance (3). Last evaluated 2024-05-20.

Conditions:
Inborn genetic diseases. Identifiers: MedGen C0950123, MeSH D030342.
Pigmentary pallidal degeneration (NBIA1). Also called: PKAN NEUROAXONAL DYSTROPHY, JUVENILE-ONSET; Neurodegeneration with brain iron accumulation 1; Pantothenate Kinase-Associated Neurodegeneration; Neuroaxonal dystrophy, late infantile; Hallervorden-Spatz disease; HARP SYNDROME. Identifiers: Orphanet 157850, MedGen C0018523, MONDO:0009319, OMIM 234200.

Allele frequency attached by ClinVar (database versions not stated): gnomAD 0.00001; gnomAD exomes 0.00001; TOPMed 0.00001.
gnomAD v4.1: 5 of 1,614,062 alleles (0.00031%); highest among the groups gnomAD compares: Non-Finnish European, 0.00042%; no homozygotes.

Submissions (3):

Ambry Genetics
Classification: Uncertain significance for Inborn genetic diseases. Last evaluated: 2024-05-20. Review status: criteria provided, single submitter. Criteria: Ambry Variant Classification Scheme 2023. Collection method: clinical testing. Allele origin: germline.

GeneDx
Classification: Uncertain significance. Last evaluated: 2022-11-08. Review status: criteria provided, single submitter. Criteria: GeneDx Variant Classification Process June 2021. Collection method: clinical testing. Allele origin: germline. Affected: yes.
Comment: Not observed at significant frequency in large population cohorts (gnomAD); In silico analysis supports that this missense variant does not alter protein structure/function; Has not been previously published as pathogenic or benign to our knowledge

Labcorp Genetics (formerly Invitae), Labcorp
Classification: Uncertain significance for Pigmentary pallidal degeneration. Last evaluated: 2022-01-03. Review status: criteria provided, single submitter. Criteria: Invitae Variant Classification Sherloc (09022015). Collection method: clinical testing. Allele origin: germline.
Comment: This sequence change replaces lysine, which is basic and polar, with arginine, which is basic and polar, at codon 279 of the PANK2 protein (p.Lys279Arg). This variant is present in population databases (no rsID available, gnomAD 0.007%). This variant has not been reported in the literature in individuals affected with PANK2-related conditions. ClinVar contains an entry for this variant (Variation ID: 1059106). Algorithms developed to predict the effect of missense changes on protein structure and function (SIFT, PolyPhen-2, Align-GVGD) all suggest that this variant is likely to be tolerated. Algorithms developed to predict the effect of sequence changes on RNA splicing suggest that this variant may create or strengthen a splice site. In summary, the available evidence is currently insufficient to determine the role of this variant in disease. Therefore, it has been classified as a Variant of Uncertain Significance.